The following is an entry in ClinVar:

NM_002834.5(PTPN11):c.1492C>T (p.Arg498Trp)

Gene: PTPN11 (protein tyrosine phosphatase non-receptor type 11; plus strand). Cytogenetic location: 12q24.13.
Variant type: single nucleotide variant.
Coding change: c.1492C>T on transcript NM_002834.5 (MANE Select); coding-DNA position 1492, C replaced by T.
Protein change: p.Arg498Trp; replaces arginine 498 with tryptophan.
Molecular consequence: missense variant.
Genome position (GRCh38, 1-based): chr12:112,489,068, C>T. VCF-style: chr12-112489068-C-T. GRCh37 (hg19) VCF-style: chr12-112926872-C-T.
Other names: p.R498W:CGG>TGG; c.1504C>T, p.Arg502Trp (NM_001330437.2); c.1489C>T, p.Arg497Trp (NM_001374625.1); short protein forms R498W, R502W, R497W.
Identifiers: ClinVar variation 40553 (VCV000040553.101), dbSNP rs397507541, ClinGen allele CA273451.

ClinVar aggregate classification (germline): Pathogenic/Likely pathogenic. Review status: criteria provided, multiple submitters, no conflicts (2 of 4 stars). 35 submissions from 32 submitters: Pathogenic (32); Likely pathogenic (1). 2 of the submissions do not count toward it. Last evaluated 2026-07-26.
ClinVar aggregate classification (somatic clinical impact): Tier II - Potential (1 of 4 stars; one submission).
ClinVar aggregate classification (oncogenicity): Oncogenic (1 of 4 stars; one submission).

Conditions:
PTPN11-related disorder. Also called: PTPN11-Related Disorders.
Pigmentary skin disorders.
Cardiovascular phenotype. Identifiers: MedGen CN230736.
Noonan syndrome and Noonan-related syndrome. Identifiers: Orphanet 98733, MedGen C5681679, MONDO:0020297.
Noonan syndrome with multiple lentigines. Identifiers: Orphanet 500, MedGen C0175704, MONDO:0007893.
Noonan syndrome (NS). Also called: Noonan's syndrome. Identifiers: Orphanet 648, MedGen C0028326, MeSH D009634, MONDO:0018997. Disease mechanism: gain of function.
Juvenile myelomonocytic leukemia (JMML). Also called: LEUKEMIA, JUVENILE MYELOMONOCYTIC, SOMATIC. Identifiers: Orphanet 86834, MedGen C0349639, MONDO:0011908, OMIM 607785, HP:0012209.
Metachondromatosis (METCDS). Identifiers: Orphanet 2499, MedGen C0410530, MONDO:0007979, OMIM 156250.
Noonan syndrome 1 (NS1). Also called: FEMALE PSEUDO-TURNER SYNDROME; TURNER PHENOTYPE WITH NORMAL KARYOTYPE; PTPN11-Related Noonan Syndrome. Identifiers: Orphanet 648, MedGen C4551602, MONDO:0008104, OMIM 163950. Disease mechanism: gain of function.
LEOPARD syndrome 1 (LPRD1). Also called: LENTIGINOSIS, CARDIOMYOPATHIC; MULTIPLE LENTIGINES SYNDROME; PTPN11-Related LEOPARD Syndrome. Identifiers: Orphanet 500, MedGen C4551484, MONDO:0100082, OMIM 151100.
RASopathy. Also called: rasopathies; Noonan spectrum disorder. Identifiers: Orphanet 536391, MedGen C5555857, MONDO:0021060.
Diffuse midline glioma, H3 K27M-mutant. Identifiers: MedGen C4289688, MONDO:0957196.
Neoplasm. Also called: Neoplasms; Neoplasm (disease); tumor. Identifiers: MedGen C0027651, MeSH D009369, MONDO:0005070, HP:0002664.

Allele frequency attached by ClinVar (database versions not stated): gnomAD exomes below 0.00001; gnomAD 0.00001; TOPMed 0.00001.

Submissions 1 to 8 of 37:

Center for Genomic Medicine, Rigshospitalet, Copenhagen University Hospital
Classification: Oncogenic for Neoplasm. Last evaluated: 2026-10-16. Review status: criteria provided, single submitter. Criteria: ClinGen/CGC/VICC Guidelines for Oncogenicity, 2022. Collection method: clinical testing. Allele origin: somatic. Affected: yes.

Genetics Laboratory, Great Ormond Street Hospital NHS Foundation Trust, North Thames Genomic Laboratory Hub
Classification: Pathogenic for Pigmentary skin disorders. Last evaluated: 2026-07-26. Review status: criteria provided, single submitter. Criteria: ACGS Best Practice Guidelines for Variant Classification in Rare Disease 2024 v1.2. Collection method: clinical testing. Allele origin: germline. Affected: yes.
Comment: PS4_supporting, PP3_supporting, PM5_supporting, PS3_strong, PM6_moderate, PP4_moderate

Greenwood Genetic Center Diagnostic Laboratories, Greenwood Genetic Center
Classification: Pathogenic for PTPN11-related disorder. Last evaluated: 2026-04-09. Review status: criteria provided, single submitter. Criteria: ACMG Guidelines, 2015. Collection method: clinical testing. Allele origin: germline. Affected: yes.
Comment: PS2, PS3_Moderate, PM5, PM6, PP2

PreventionGenetics, part of Exact Sciences
Classification: Pathogenic for PTPN11-related condition. Last evaluated: 2026-01-27. Review status: criteria provided, single submitter. Criteria: ACMG Guidelines, 2015. Collection method: clinical testing. Allele origin: germline.
Comment: The PTPN11 c.1492C>T variant is predicted to result in the amino acid substitution p.Arg498Trp. This variant has been reported to be causative for Noonan spectrum disorders (see for example, Sarkozy et al. 2004. PubMed ID: 15121796). Functional studies demonstrate this variant results in reduced phosphatase activity (Edwards et al. 2014. PubMed ID: 24891296). This variant is also interpreted by multiple clinical labs as pathogenic in ClinVar (Variation ID: 40553). This variant is reported in 0.00088% of alleles in individuals of European (non-Finnish) descent in gnomAD. This variant is interpreted as pathogenic.

Labcorp Genetics (formerly Invitae), Labcorp
Classification: Pathogenic for RASopathy. Last evaluated: 2026-01-25. Review status: criteria provided, single submitter. Criteria: Invitae Variant Classification Sherloc (09022015). Collection method: clinical testing. Allele origin: germline.
Comment: This sequence change replaces arginine, which is basic and polar, with tryptophan, which is neutral and slightly polar, at codon 498 of the PTPN11 protein (p.Arg498Trp). This variant is present in population databases (rs397507541, gnomAD 0.0009%). This missense change has been observed in individual(s) with Noonan syndrome with multiple lentigines and PTPN11-related conditions (PMID: 15121796, 22190897, 24891296, 27562378; internal data). In at least one individual the variant was observed to be de novo. ClinVar contains an entry for this variant (Variation ID: 40553). Invitae Evidence Modeling of protein sequence and biophysical properties (such as structural, functional, and spatial information, amino acid conservation, physicochemical variation, residue mobility, and thermodynamic stability) indicates that this missense variant is expected to disrupt PTPN11 protein function with a positive predictive value of 95%. Experimental studies have shown that this missense change affects PTPN11 function (PMID: 24891296). This variant disrupts the p.Arg498 amino acid residue in PTPN11. Other variant(s) that disrupt this residue have been determined to be pathogenic (PMID: 15121796, 17339163, 17875892, 18241070, 24935154). This suggests that this residue is clinically significant, and that variants that disrupt this residue are likely to be disease-causing. For these reasons, this variant has been classified as Pathogenic.

Institute of Immunology and Genetics Kaiserslautern
Classification: Pathogenic for Noonan syndrome 1; LEOPARD syndrome 1. Last evaluated: 2026-01-07. Review status: criteria provided, single submitter. Criteria: ACMG Guidelines, 2015. Collection method: clinical testing. Allele origin: paternal. Affected: yes.
Comment: ACMG Criteria: PS3, PS4, PM1, PM2_P, PM5, PP2, PP3; Variant was found in heterozygous state.

Variantyx, Inc.
Classification: Pathogenic for Noonan syndrome 1. Last evaluated: 2025-12-22. Review status: criteria provided, single submitter. Criteria: Variantyx Assertion Criteria 2022. Collection method: clinical testing. Allele origin: de novo. Inheritance: Autosomal dominant inheritance. Affected: yes.
Comment: This is a nonsynonymous variant in the PTPN11 gene (OMIM: 176876). Pathogenic variants in this gene have been associated with autosomal dominant Noonan syndrome 1. Functional studies have shown that this variant alters PTPN11 protein function (PMID: 24891296) (PS3), and multiple computational algorithms predict a deleterious effect for this variant (REVEL score: 0.849) (PP3). Moreover, an alternate amino acid change at this position (p.Arg498Lau) has been previously reported in similarly affected individuals, which suggests that this residue is biologically important (PMID: 15121796) (PM5). This variant has a 0.0011% maximum allele frequency in non-founder control populations (PM2). Based on the current evidence, this variant is classified as pathogenic for autosomal dominant Noonan syndrome 1. Inheritance from an unaffected parent or a parent with unknown affected status has been reported, consistent with incomplete penetrance (PMID: 39669259).

Clinical Genomics Laboratory, Washington University in St. Louis
Classification: Pathogenic for Noonan syndrome 1; LEOPARD syndrome 1. Last evaluated: 2025-11-24. Review status: criteria provided, single submitter. Criteria: ACMG Guidelines, 2015. Collection method: clinical testing. Allele origin: germline. Affected: yes.
Comment: A PTPN11 c.1492C>T (p.Arg498Trp) variant was identified at a heterozygous allelic fraction of 50.4%, a frequency which may be consistent with it being of germline origin. The PTPN11 c.1492C>T (p.Arg498Trp) variant has been reported in several individuals affected with Noonan syndrome and LEOPARD syndrome and is reported to segregate with disease in some families (Sarkozy A et al., PMID: 15121796; Kratz CP et al., PMID: 16369799; Digilio MC et al., PMID: 22190897; Edwards JJ et al., PMID: 24891296, Bademci G et al., PMID: 27562378; Han JY et al., PMID: 38674380). It occurs on 10/1,613,956 alleles in the general population (gnomAD v.4.1.0). Computational predictors indicate that the variant is damaging, evidence that correlates with impact to PTPN11 function. In support of this prediction, functional studies show reduced phosphatase activity, indicating that this variant impacts protein function (Edwards JJ et al., PMID: 24891296). Other variants in the same codon, p.Arg498Gln and p.Arg498Leu, have been reported in affected individuals and are considered likely pathogenic/pathogenic (Orlova A et al., PMID: 38540404; Sarkozy A et al., PMID: 15121796; Du-Thanh A et al., PMID: 17875892; ClinVar Variation IDs: 1805026, 40554). The PTPN11 gene is defined by the ClinGen RASopathy variant curation expert panel as a gene that has a low rate of benign missense variation and where pathogenic missense variants are a common mechanism of disease. Based on available information and the ACMG/AMP guidelines for variant interpretation and the ClinGen RASopathy variant curation expert panel (Richards S et al., PMID: 25741868), this variant is classified as pathogenic.